The following is an entry in ClinVar:

ClinVar aggregate classification (germline): Uncertain significance (1 of 4 stars; one submission).

Submission:

GeneDx
Classification: Uncertain significance. Last evaluated: 2019-03-08. Review status: criteria provided, single submitter. Criteria: GeneDx Variant Classification Process June 2021. Collection method: clinical testing. Allele origin: germline. Affected: yes.
Comment: Not observed in large population cohorts (Lek et al., 2016; McVean et al., 2012; Exome Variant Server); In silico analysis, which includes protein predictors and evolutionary conservation, supports a deleterious effect; Has not been previously published as pathogenic or benign to our knowledge; This substitution is predicted to be within the intracellular loop between the S4 and S5 transmembrane segments of the second homologous domain

NM_001330260.2(SCN8A):c.2609A>G (p.Asn870Ser)

Gene: SCN8A (sodium voltage-gated channel alpha subunit 8; plus strand). Cytogenetic location: 12q13.13.
Variant type: single nucleotide variant.
Coding change: c.2609A>G on transcript NM_001330260.2 (MANE Select); coding-DNA position 2609, A replaced by G.
Protein change: p.Asn870Ser; replaces asparagine 870 with serine.
Molecular consequence: missense variant.
Genome position (GRCh38, 1-based): chr12:51,765,735, A>G. VCF-style: chr12-51765735-A-G. GRCh37 (hg19) VCF-style: chr12-52159519-A-G.
Other names: c.2609A>G, p.Asn870Ser (NM_001177984.3, NM_001369788.1, NM_014191.4); short protein forms N870S.
Identifiers: ClinVar variation 1321099 (VCV001321099.2), dbSNP rs2138862664, ClinGen allele CA384887111.